The following is an entry in ClinVar:

NM_182931.3(KMT2E):c.2164_2167del (p.Lys722fs)

Gene: KMT2E (lysine methyltransferase 2E (inactive); plus strand). Cytogenetic location: 7q22.3.
Variant type: Deletion.
Coding change: c.2164_2167del on transcript NM_182931.3 (MANE Select); coding-DNA positions 2164 to 2167, 4 bases deleted (AAAT; older notation c.2164_2167delAAAT).
Protein change: p.Lys722fs; shifts the reading frame from lysine 722.
Molecular consequence: frameshift variant.
Genome position (GRCh38, 1-based): chr7:105,102,162-105,102,165, AAAT deleted; deleting any 4 consecutive bases within chr7:105,102,159-105,102,165 gives the same sequence; the c. name uses the placement nearest the transcript's 3' end. VCF-style (leftmost placement, unchanged base first): chr7-105102158-TAATA-T. GRCh37 (hg19) VCF-style: chr7-104742605-TAATA-T.
Other names: c.2164_2167del, p.Lys722fs (NM_018682.4); short protein forms K722fs.
Identifiers: ClinVar variation 1098299 (VCV001098299.2), dbSNP rs1476442868, ClinGen allele CA830944813.
Genomic context (GRCh38, chr7:105,102,158, plus strand): 5'-AGAACCAGAAACTGAAACTGCACTAGCAGAAATAATTACTGAAACTGAAGTTCCAGCACT[TAATA>T]AATGTCCTACCAAGTACCCCAAAACAAAGAAGGTATGATTCTAATGAATGTAAGAACTGT-3'

ClinVar aggregate classification (germline): Pathogenic. Review status: criteria provided, multiple submitters, no conflicts (2 of 4 stars). 2 submissions from 2 submitters: Pathogenic (2). Last evaluated 2025-07-06.

Conditions:
O'Donnell-Luria-Rodan syndrome (ODLURO). Also called: KMT2E-Related Neurodevelopmental Disorder. Identifiers: MedGen C5193138, MONDO:0032793, OMIM 618512.

Submissions (2):

GeneDx
Classification: Pathogenic. Last evaluated: 2025-07-06. Review status: criteria provided, single submitter. Criteria: GeneDx Variant Classification Process June 2021. Collection method: clinical testing. Allele origin: germline. Affected: yes.
Comment: Frameshift variant predicted to result in protein truncation or nonsense mediated decay in a gene for which loss of function is a known mechanism of disease; Not observed at significant frequency in large population cohorts (gnomAD); This variant is associated with the following publications: (PMID: 34321323)

Institute of Human Genetics, Cologne University
Classification: Pathogenic for O'Donnell-Luria-Rodan syndrome. Last evaluated: 2021-04-28. Review status: criteria provided, single submitter. Criteria: ACMG Guidelines, 2015. Collection method: clinical testing. Allele origin: de novo. Affected: yes. Observed: 1 variant allele.